The following is an entry in ClinVar:

NM_000316.3(PTH1R):c.1454G>A (p.Arg485Gln)

Gene: PTH1R (parathyroid hormone 1 receptor; plus strand). Cytogenetic location: 3p21.31.
Variant type: single nucleotide variant.
Coding change: c.1454G>A on transcript NM_000316.3 (MANE Select); coding-DNA position 1454, G replaced by A.
Protein change: p.Arg485Gln; replaces arginine 485 with glutamine.
Molecular consequence: missense variant.
Genome position (GRCh38, 1-based): chr3:46,903,328, G>A. VCF-style: chr3-46903328-G-A. GRCh37 (hg19) VCF-style: chr3-46944818-G-A.
Other names: c.1454G>A (NM_000316.2); c.1454G>A, p.Arg485Gln (NM_001184744.1); short protein forms R485Q.
Identifiers: ClinVar variation 2192223 (VCV002192223.5), dbSNP rs779982498, ClinGen allele CA2359566.

ClinVar aggregate classification (germline): Uncertain significance. Review status: criteria provided, multiple submitters, no conflicts (2 of 4 stars). 2 submissions from 2 submitters: Uncertain significance (2). Last evaluated 2025-04-07.

Conditions:
Inborn genetic diseases. Identifiers: MedGen C0950123, MeSH D030342.

Allele frequency attached by ClinVar (database versions not stated): ExAC 0.00001; gnomAD 0.00001; TOPMed 0.00002.
gnomAD v4.1: 22 of 1,613,558 alleles (0.0014%); highest among the groups gnomAD compares: Non-Finnish European, 0.0017%; no homozygotes.

Submissions (2):

Ambry Genetics
Classification: Uncertain significance for Inborn genetic diseases. Last evaluated: 2025-04-07. Review status: criteria provided, single submitter. Criteria: Ambry Variant Classification Scheme 2023. Collection method: clinical testing. Allele origin: germline.

Labcorp Genetics (formerly Invitae), Labcorp
Classification: Uncertain significance. Last evaluated: 2024-02-24. Review status: criteria provided, single submitter. Criteria: Invitae Variant Classification Sherloc (09022015). Collection method: clinical testing. Allele origin: germline.
Comment: This sequence change replaces arginine, which is basic and polar, with glutamine, which is neutral and polar, at codon 485 of the PTH1R protein (p.Arg485Gln). This variant is present in population databases (rs779982498, gnomAD 0.007%). This variant has not been reported in the literature in individuals affected with PTH1R-related conditions. ClinVar contains an entry for this variant (Variation ID: 2192223). Advanced modeling of protein sequence and biophysical properties (such as structural, functional, and spatial information, amino acid conservation, physicochemical variation, residue mobility, and thermodynamic stability) performed at Invitae indicates that this missense variant is not expected to disrupt PTH1R protein function with a negative predictive value of 80%. In summary, the available evidence is currently insufficient to determine the role of this variant in disease. Therefore, it has been classified as a Variant of Uncertain Significance.